The following is an entry in ClinVar:

ClinVar aggregate classification (germline): Uncertain significance (1 of 4 stars; one submission).

Conditions:
Wilson disease (WND). Also called: Wilson's disease. Identifiers: Orphanet 905, MedGen C0019202, MONDO:0010200, OMIM 277900. Disease mechanism: loss of function.

Submission:

All of Us Research Program, National Institutes of Health
Classification: Uncertain significance for Wilson disease. Last evaluated: 2023-10-02. Review status: criteria provided, single submitter. Criteria: ACMG Guidelines, 2015. Collection method: clinical testing. Allele origin: germline. Inheritance: Autosomal recessive inheritance. Observed: 1 variant allele, 1 heterozygote.
Comment: This missense variant replaces serine with threonine at codon 630 of the ATP7B protein. Computational prediction suggests that this variant may not impact protein structure and function (internally defined REVEL score threshold <= 0.5, PMID: 27666373). To our knowledge, functional studies have not been reported for this variant. This variant has not been reported in individuals affected with ATP7B-related disorders in the literature. This variant has not been identified in the general population by the Genome Aggregation Database (gnomAD). The available evidence is insufficient to determine the role of this variant in disease conclusively. Therefore, this variant is classified as a Variant of Uncertain Significance.

This study involves interpretation of variants in research participants for the purpose of population health screening. Participant phenotype was not available at the time of variant classification. Additional details can be found in publication PMID: 35346344, PMCID: PMC8962531

NM_000053.4(ATP7B):c.1888T>A (p.Ser630Thr)

Gene: ATP7B (ATPase copper transporting beta; minus strand). Cytogenetic location: 13q14.3.
Variant type: single nucleotide variant.
Coding change: c.1888T>A on transcript NM_000053.4 (MANE Select); coding-DNA position 1888, T replaced by A.
Protein change: p.Ser630Thr; replaces serine 630 with threonine.
Molecular consequence: missense variant. On other transcripts: intron variant (13).
Genome position (GRCh38, 1-based): chr13:51,961,895, A>T on the plus strand (T>A on the coding strand, the complement: ATP7B is on the minus strand). VCF-style: chr13-51961895-A-T. GRCh37 (hg19) VCF-style: chr13-52536031-A-T.
Other names: c.1555T>A, p.Ser519Thr (NM_001243182.2); c.1888T>A, p.Ser630Thr (NM_001330578.2, NM_001406511.1, NM_001406512.1 and 16 more transcripts); c.1855T>A, p.Ser619Thr (NM_001406514.1, NM_001406524.1); c.1792T>A, p.Ser598Thr (NM_001406517.1, NM_001406530.1, NM_001406536.1 and 1 more transcripts); c.1459T>A, p.Ser487Thr (NM_001406539.1); c.1869+2977T>A (NM_001406541.1, NM_001406531.1, NM_001406532.1 and 5 more transcripts); c.1773+2977T>A (NM_001406543.1, NM_001406544.1); c.1286-11734T>A (NM_001406548.1); and 1 more; short protein forms S487T, S519T, S598T, S619T, S630T.
Identifiers: ClinVar variation 3073626 (VCV003073626.1), dbSNP rs2547734492, ClinGen allele CA388027806.
Genomic context (GRCh38, chr13:51,961,895, plus strand): 5'-ACTGCTTTATTTCCATCTTGTGGTCCAAGTGATGAGCGTTGGGGTTTCTCTGGGCCAGGG[A>T]AGCATGAAAGCCAATTTCCTTGTCATTAAAAAGAGAGGGGTGGGGAAAAAGGAGGAAGGT-3'
Protein context (NP_000044.2, residues 620-640): KIIEEIGFHA[Ser630Thr]LAQRNPNAHH